The following is an entry in ClinVar:

NM_000334.4(SCN4A):c.2963A>G (p.Glu988Gly)

Genes: GH-LCR (growth hormone locus control region; plus strand), SCN4A (sodium voltage-gated channel alpha subunit 4; minus strand). Cytogenetic location: 17q23.3.
Variant type: single nucleotide variant.
Coding change: c.2963A>G on transcript NM_000334.4 (MANE Select); coding-DNA position 2963, A replaced by G.
Protein change: p.Glu988Gly; replaces glutamic acid 988 with glycine.
Molecular consequence: missense variant.
Genome position (GRCh38, 1-based): chr17:63,949,419, T>C on the plus strand (A>G on the coding strand, the complement: SCN4A is on the minus strand). VCF-style: chr17-63949419-T-C. GRCh37 (hg19) VCF-style: chr17-62026779-T-C.
Other names: short protein forms E988G.
Identifiers: ClinVar variation 3898795 (VCV003898795.1).
Genomic context (GRCh38, chr17:63,949,419, plus strand): 5'-GGAGACACCCAGATGAGGTGAGGGGTGCCCTCACCCTCAGTGAAGCACTCCTCAGGCTGC[T>C]CCCCCTCGGGGTTCTCCTCTGCCTGCTCCTCAGGGTCCTCCTCGGGGGGCTTGTAGTCAG-3'
Protein context (NP_000325.4, residues 978-998): EEQAEENPEG[Glu988Gly]QPEECFTEAC

ClinVar aggregate classification (germline): Uncertain significance (1 of 4 stars; one submission).

Submission:

GeneDx
Classification: Uncertain significance. Last evaluated: 2024-11-09. Review status: criteria provided, single submitter. Criteria: GeneDx Variant Classification Process June 2021. Collection method: clinical testing. Allele origin: germline. Affected: yes.
Comment: Not observed at significant frequency in large population cohorts (gnomAD); In silico analysis supports that this missense variant has a deleterious effect on protein structure/function; Has not been previously published as pathogenic or benign to our knowledge